The following is an entry in ClinVar:

NM_001017922.2(ERMAP):c.414C>T (p.Thr138=)

Gene: ERMAP (erythroblast membrane associated protein (Scianna blood group); plus strand). Cytogenetic location: 1p34.2.
Variant type: single nucleotide variant.
Coding change: c.414C>T on transcript NM_001017922.2 (MANE Select); coding-DNA position 414, C replaced by T.
Protein change: p.Thr138=; no amino-acid change (threonine 138 retained).
Molecular consequence: synonymous variant.
Genome position (GRCh38, 1-based): chr1:42,831,096, C>T. VCF-style: chr1-42831096-C-T. GRCh37 (hg19) VCF-style: chr1-43296767-C-T.
Other names: c.414C>T, p.Thr138= (NM_018538.4).
Identifiers: ClinVar variation 3057388 (VCV003057388.2), dbSNP rs528295732, ClinGen allele CA802750.

ClinVar aggregate classification (germline): Likely benign (0 of 4 stars; one submission).

Conditions:
ERMAP-related disorder. Also called: ERMAP-related condition.

Allele frequency attached by ClinVar (database versions not stated): TOPMed 0.00002; gnomAD 0.00003; gnomAD exomes 0.00004; ExAC 0.00010; 1000 Genomes Project 30x 0.00016; 1000 Genomes Project 0.00020.

Submission:

PreventionGenetics, part of Exact Sciences
Classification: Likely benign for ERMAP-related condition. Last evaluated: 2019-02-20. Review status: no assertion criteria provided. Collection method: clinical testing. Allele origin: germline.
Comment: This variant is classified as likely benign based on ACMG/AMP sequence variant interpretation guidelines (Richards et al. 2015 PMID: 25741868, with internal and published modifications).